The following is an entry in ClinVar:

ClinVar aggregate classification (germline): Uncertain significance. Review status: criteria provided, multiple submitters, no conflicts (2 of 4 stars). 2 submissions from 2 submitters: Uncertain significance (2). Last evaluated 2026-03-28.

Conditions:
Arrhythmogenic right ventricular dysplasia 13. Also called: ARRHYTHMOGENIC RIGHT VENTRICULAR CARDIOMYOPATHY 13; Arrhythmogenic right ventricular dysplasia, familial, 13. Identifiers: MedGen C3810138, MONDO:0000908, OMIM 615616.

Submissions (2):

Ambry Genetics
Classification: Uncertain significance. Last evaluated: 2026-03-28. Review status: criteria provided, single submitter. Criteria: Ambry Variant Classification Scheme 2023. Collection method: clinical testing. Allele origin: germline.
Comment: The p.D529Y variant (also known as c.1585G>T), located in coding exon 11 of the CTNNA3 gene, results from a G to T substitution at nucleotide position 1585. The aspartic acid at codon 529 is replaced by tyrosine, an amino acid with highly dissimilar properties. This amino acid position is conserved. In addition, the in silico prediction for this alteration is inconclusive. Based on the available evidence, the clinical significance of this variant remains unclear.

Labcorp Genetics (formerly Invitae), Labcorp
Classification: Uncertain significance for Arrhythmogenic right ventricular dysplasia 13. Last evaluated: 2025-12-08. Review status: criteria provided, single submitter. Criteria: Invitae Variant Classification Sherloc (09022015). Collection method: clinical testing. Allele origin: germline.
Comment: This sequence change replaces aspartic acid, which is acidic and polar, with tyrosine, which is neutral and polar, at codon 529 of the CTNNA3 protein (p.Asp529Tyr). This variant is not present in population databases (gnomAD no frequency). This variant has not been reported in the literature in individuals affected with CTNNA3-related conditions. Invitae Evidence Modeling of protein sequence and biophysical properties (such as structural, functional, and spatial information, amino acid conservation, physicochemical variation, residue mobility, and thermodynamic stability) indicates that this missense variant is expected to disrupt CTNNA3 protein function with a positive predictive value of 80%. In summary, the available evidence is currently insufficient to determine the role of this variant in disease. Therefore, it has been classified as a Variant of Uncertain Significance.

NM_013266.4(CTNNA3):c.1585G>T (p.Asp529Tyr)

Gene: CTNNA3 (catenin alpha 3; minus strand). Cytogenetic location: 10q21.3.
Variant type: single nucleotide variant.
Coding change: c.1585G>T on transcript NM_013266.4 (MANE Select); coding-DNA position 1585, G replaced by T.
Protein change: p.Asp529Tyr; replaces aspartic acid 529 with tyrosine.
Molecular consequence: missense variant.
Genome position (GRCh38, 1-based): chr10:66,379,299, C>A on the plus strand (G>T on the coding strand, the complement: CTNNA3 is on the minus strand). VCF-style: chr10-66379299-C-A. GRCh37 (hg19) VCF-style: chr10-68139057-C-A.
Other names: c.1585G>T, p.Asp529Tyr (NM_001127384.3); c.1585G>T (NM_013266.2); short protein forms D529Y.
Identifiers: ClinVar variation 4761291 (VCV004761291.2).
Genomic context (GRCh38, chr10:66,379,299, plus strand): 5'-GAGCAACTCTTGCTGCCCGGCCTCTGATAGCACCCGCAGCACGGTCTAAATTATCAGCAT[C>A]CTGGTCTCTTAAGGCTATGATACACTTGTTGACATCTTCCAAGATATGGCTTTCTGTAAG-3'
Protein context (NP_037398.2, residues 519-539): NKCIIALRDQ[Asp529Tyr]ADNLDRAAGA